The following is an entry in ClinVar:

ClinVar aggregate classification (germline): Uncertain significance (1 of 4 stars; one submission).

Conditions:
Angelman syndrome (AS). Also called: HAPPY PUPPET SYNDROME. Identifiers: Orphanet 72, MedGen C0162635, MONDO:0007113, OMIM 105830. Disease mechanism: loss of function. Inheritance: imprinting disorder, AS is caused by disruption of maternally imprinted UBE3A located within the 15q11.2-q13 Angelman syndrome/Prader-Willi syndrome (AS/PWS) region..

Allele frequency attached by ClinVar (database versions not stated): ExAC 0.00001; gnomAD exomes 0.00001; TOPMed 0.00001.

Submission:

Labcorp Genetics (formerly Invitae), Labcorp
Classification: Uncertain significance for Angelman syndrome. Last evaluated: 2025-10-24. Review status: criteria provided, single submitter. Criteria: Invitae Variant Classification Sherloc (09022015). Collection method: clinical testing. Allele origin: germline.
Comment: This sequence change replaces methionine, which is neutral and non-polar, with isoleucine, which is neutral and non-polar, at codon 90 of the UBE3A protein (p.Met90Ile). This variant is present in population databases (rs781537729, gnomAD 0.009%). This variant has not been reported in the literature in individuals affected with UBE3A-related conditions. ClinVar contains an entry for this variant (Variation ID: 846201). Invitae Evidence Modeling of protein sequence and biophysical properties (such as structural, functional, and spatial information, amino acid conservation, physicochemical variation, residue mobility, and thermodynamic stability) has been performed for this missense variant. However, the output from this modeling did not meet the statistical confidence thresholds required to predict the impact of this variant on UBE3A protein function. In summary, the available evidence is currently insufficient to determine the role of this variant in disease. Therefore, it has been classified as a Variant of Uncertain Significance.

NM_130839.5(UBE3A):c.330G>C (p.Met110Ile)

Genes: SNHG14 (small nucleolar RNA host gene 14; plus strand), UBE3A (ubiquitin protein ligase E3A; minus strand). Cytogenetic location: 15q11.2.
Variant type: single nucleotide variant.
Coding change: c.330G>C on transcript NM_130839.5 (MANE Select); coding-DNA position 330, G replaced by C.
Protein change: p.Met110Ile; replaces methionine 110 with isoleucine.
Molecular consequence: missense variant. On other transcripts: non-coding transcript variant (1).
Genome position (GRCh38, 1-based): chr15:25,375,496, C>G on the plus strand (G>C on the coding strand, the complement: UBE3A is on the minus strand). VCF-style: chr15-25375496-C-G. GRCh37 (hg19) VCF-style: chr15-25620643-C-G.
Other names: c.339G>C, p.Met113Ile (NM_000462.5); c.330G>C, p.Met110Ile (NM_001354505.1, NM_001354538.2, NM_001354545.2 and 1 more transcripts); c.270G>C, p.Met90Ile (NM_001354506.2, NM_001354507.2, NM_001354508.2 and 18 more transcripts); c.153G>C, p.Met51Ile (NM_001354546.2); short protein forms M90I, M110I, M113I, M51I.
Identifiers: ClinVar variation 846201 (VCV000846201.7), dbSNP rs781537729, ClinGen allele CA7435668.
Genomic context (GRCh38, chr15:25,375,496, plus strand): 5'-AATTCTCAATTGAAAATAAAACATCTTACCTTTAAAATCAATTCTAGCGCCTTTCTTGTT[C>G]ATTTTTATCTCAGAGCAGGAGTTGTTGGGGGCACCTTTCGAGTTCTCAAGGTAAGCTGAG-3'
Protein context (NP_570854.1, residues 100-120): APNNSCSEIK[Met110Ile]NKKGARIDFK